The following is an entry in ClinVar:

ClinVar aggregate classification (germline): Likely pathogenic (1 of 4 stars; one submission).

Conditions:
Complex cortical dysplasia with other brain malformations 7. Identifiers: Orphanet 300573, MedGen C3552236, MONDO:0012399, OMIM 610031.

Submission:

Daryl Scott Lab, Baylor College of Medicine
Classification: Likely pathogenic for Complex cortical dysplasia with other brain malformations 7. Last evaluated: 2025-08-25. Review status: criteria provided, single submitter. Criteria: ACMG Guidelines, 2015. Collection method: clinical testing. Allele origin: de novo. Affected: yes. Observed: 1 heterozygote.
Comment: PS2, PM2, PP3

NM_178012.5(TUBB2B):c.629T>C (p.Ile210Thr)

Gene: TUBB2B (tubulin beta 2B class IIb; minus strand). Cytogenetic location: 6p25.2.
Variant type: single nucleotide variant.
Coding change: c.629T>C on transcript NM_178012.5 (MANE Select); coding-DNA position 629, T replaced by C.
Protein change: p.Ile210Thr; replaces isoleucine 210 with threonine.
Molecular consequence: missense variant.
Genome position (GRCh38, 1-based): chr6:3,225,460, A>G on the plus strand (T>C on the coding strand, the complement: TUBB2B is on the minus strand). VCF-style: chr6-3225460-A-G. GRCh37 (hg19) VCF-style: chr6-3225694-A-G.
Other names: short protein forms I210T.
Identifiers: ClinVar variation 4279689 (VCV004279689.2).